The following is an entry in ClinVar:

NM_001271.4(CHD2):c.1975_1979dup (p.His661fs)

Gene: CHD2 (chromodomain helicase DNA binding protein 2; plus strand). Cytogenetic location: 15q26.1.
Variant type: Duplication.
Coding change: c.1975_1979dup on transcript NM_001271.4 (MANE Select); coding-DNA positions 1975 to 1979, 5 bases duplicated (TTGCT; older notation c.1975_1979dupTTGCT).
Protein change: p.His661fs; shifts the reading frame from histidine 661.
Molecular consequence: frameshift variant.
Genome position (GRCh38, 1-based): chr15:92,956,624-92,956,628, TTGCT duplicated. VCF-style (leftmost placement, unchanged base first): chr15-92956623-C-CTTGCT. GRCh37 (hg19) VCF-style: chr15-93499853-C-CTTGCT.
Other names: short protein forms H661fs.
Identifiers: ClinVar variation 4722030 (VCV004722030.1).

ClinVar aggregate classification (germline): Pathogenic (1 of 4 stars; one submission).

Conditions:
Developmental and epileptic encephalopathy 94 (DEE94). Also called: Epileptic encephalopathy, childhood-onset; CHD2-Related Neurodevelopmental Disorders. Identifiers: Orphanet 1942, Orphanet 2382, MedGen C3809278, MONDO:0014150, OMIM 615369.

Submission:

Labcorp Genetics (formerly Invitae), Labcorp
Classification: Pathogenic for Developmental and epileptic encephalopathy 94. Last evaluated: 2025-06-24. Review status: criteria provided, single submitter. Criteria: Invitae Variant Classification Sherloc (09022015). Collection method: clinical testing. Allele origin: germline.
Comment: This sequence change creates a premature translational stop signal (p.His661Cysfs*35) in the CHD2 gene. It is expected to result in an absent or disrupted protein product. Loss-of-function variants in CHD2 are known to be pathogenic (PMID: 23708187, 24207121). This variant is not present in population databases (gnomAD no frequency). This variant has not been reported in the literature in individuals affected with CHD2-related conditions. Algorithms developed to predict the effect of sequence changes on RNA splicing suggest that this variant may disrupt the consensus splice site. For these reasons, this variant has been classified as Pathogenic.

Literature cited by the submitters: PubMed 23708187; PubMed 24207121.